The following is an entry in ClinVar:

ClinVar aggregate classification (germline): Uncertain significance (1 of 4 stars; one submission).

Conditions:
Developmental and epileptic encephalopathy 94 (DEE94). Also called: CHD2-Related Neurodevelopmental Disorders; Epileptic encephalopathy, childhood-onset. Identifiers: Orphanet 1942, Orphanet 2382, MedGen C3809278, MONDO:0014150, OMIM 615369.

Submission:

Labcorp Genetics (formerly Invitae), Labcorp
Classification: Uncertain significance for Developmental and epileptic encephalopathy 94. Last evaluated: 2023-01-30. Review status: criteria provided, single submitter. Criteria: Invitae Variant Classification Sherloc (09022015). Collection method: clinical testing. Allele origin: germline.
Comment: This sequence change replaces glycine, which is neutral and non-polar, with glutamic acid, which is acidic and polar, at codon 1360 of the CHD2 protein (p.Gly1360Glu). This variant is not present in population databases (gnomAD no frequency). This variant has not been reported in the literature in individuals affected with CHD2-related conditions. ClinVar contains an entry for this variant (Variation ID: 573199). Advanced modeling of protein sequence and biophysical properties (such as structural, functional, and spatial information, amino acid conservation, physicochemical variation, residue mobility, and thermodynamic stability) performed at Invitae indicates that this missense variant is not expected to disrupt CHD2 protein function. In summary, the available evidence is currently insufficient to determine the role of this variant in disease. Therefore, it has been classified as a Variant of Uncertain Significance.

NM_001271.4(CHD2):c.4079G>A (p.Gly1360Glu)

Gene: CHD2 (chromodomain helicase DNA binding protein 2; plus strand). Cytogenetic location: 15q26.1.
Variant type: single nucleotide variant.
Coding change: c.4079G>A on transcript NM_001271.4 (MANE Select); coding-DNA position 4079, G replaced by A.
Protein change: p.Gly1360Glu; replaces glycine 1360 with glutamic acid.
Molecular consequence: missense variant.
Genome position (GRCh38, 1-based): chr15:93,000,582, G>A. VCF-style: chr15-93000582-G-A. GRCh37 (hg19) VCF-style: chr15-93543812-G-A.
Other names: short protein forms G1360E.
Identifiers: ClinVar variation 573199 (VCV000573199.9), dbSNP rs1567159136, ClinGen allele CA393900442.